The following is an entry in ClinVar:

NM_001082538.3(TCTN1):c.1463T>C (p.Ile488Thr)

Gene: TCTN1 (tectonic family member 1; plus strand). Cytogenetic location: 12q24.11.
Variant type: single nucleotide variant.
Coding change: c.1463T>C on transcript NM_001082538.3 (MANE Select); coding-DNA position 1463, T replaced by C.
Protein change: p.Ile488Thr; replaces isoleucine 488 with threonine.
Molecular consequence: missense variant. On other transcripts: non-coding transcript variant (1).
Genome position (GRCh38, 1-based): chr12:110,645,098, T>C. VCF-style: chr12-110645098-T-C. GRCh37 (hg19) VCF-style: chr12-111082903-T-C.
Other names: c.1463T>C, p.Ile488Thr (NM_001082537.3); c.1295T>C, p.Ile432Thr (NM_001173975.3); c.1136T>C, p.Ile379Thr (NM_001173976.2); c.1316T>C, p.Ile439Thr (NM_001319680.2); c.929T>C, p.Ile310Thr (NM_001319681.2); c.1421T>C, p.Ile474Thr (NM_024549.6); short protein forms I310T, I432T, I474T, I379T, I439T, I488T.
Identifiers: ClinVar variation 1522621 (VCV001522621.7), dbSNP rs1291891063, ClinGen allele CA386705912.

ClinVar aggregate classification (germline): Uncertain significance (1 of 4 stars; one submission).

Conditions:
Meckel-Gruber syndrome. Also called: DYSENCEPHALIA SPLANCHNOCYSTICA; GRUBER SYNDROME; Dysencephalia splachnocystica. Identifiers: Orphanet 564, MedGen C0265215, MONDO:0018921.
Joubert syndrome. Also called: CEREBELLOPARENCHYMAL DISORDER IV; JOUBERT-BOLTSHAUSER SYNDROME; Familial aplasia of the vermis. Identifiers: Orphanet 475, MedGen C5979921, MONDO:0018772.

Allele frequency attached by ClinVar (database versions not stated): TOPMed 0.00002; gnomAD 0.00003.
gnomAD v4.1: 7 of 1,613,972 alleles (0.00043%); highest among the groups gnomAD compares: African/African-American, 0.0093%; no homozygotes.

Submission:

Labcorp Genetics (formerly Invitae), Labcorp
Classification: Uncertain significance for Joubert syndrome; Meckel-Gruber syndrome. Last evaluated: 2022-11-15. Review status: criteria provided, single submitter. Criteria: Invitae Variant Classification Sherloc (09022015). Collection method: clinical testing. Allele origin: germline.
Comment: In summary, the available evidence is currently insufficient to determine the role of this variant in disease. Therefore, it has been classified as a Variant of Uncertain Significance. Advanced modeling of protein sequence and biophysical properties (such as structural, functional, and spatial information, amino acid conservation, physicochemical variation, residue mobility, and thermodynamic stability) performed at Invitae indicates that this missense variant is expected to disrupt TCTN1 protein function. ClinVar contains an entry for this variant (Variation ID: 1522621). This variant has not been reported in the literature in individuals affected with TCTN1-related conditions. This variant is present in population databases (no rsID available, gnomAD 0.01%). This sequence change replaces isoleucine, which is neutral and non-polar, with threonine, which is neutral and polar, at codon 488 of the TCTN1 protein (p.Ile488Thr).